The following is an entry in ClinVar:

ClinVar aggregate classification (germline): Pathogenic (1 of 4 stars; one submission).

Submission:

Labcorp Genetics (formerly Invitae), Labcorp
Classification: Pathogenic. Last evaluated: 2024-12-22. Review status: criteria provided, single submitter. Criteria: Invitae Variant Classification Sherloc (09022015). Collection method: clinical testing. Allele origin: germline.
Comment: This sequence change creates a premature translational stop signal (p.Gln459*) in the FLAD1 gene. It is expected to result in an absent or disrupted protein product. Loss-of-function variants in FLAD1 are known to be pathogenic (PMID: 27259049). This variant is not present in population databases (gnomAD no frequency). This variant has not been reported in the literature in individuals affected with FLAD1-related conditions. Algorithms developed to predict the effect of sequence changes on RNA splicing suggest that this variant may disrupt the consensus splice site. For these reasons, this variant has been classified as Pathogenic.

Literature cited by the submitters: PubMed 27259049.

NM_025207.5(FLAD1):c.1375C>T (p.Gln459Ter)

Gene: FLAD1 (flavin adenine dinucleotide synthetase 1; plus strand). Cytogenetic location: 1q21.3.
Variant type: single nucleotide variant.
Coding change: c.1375C>T on transcript NM_025207.5 (MANE Select); coding-DNA position 1375, C replaced by T.
Protein change: p.Gln459Ter; replaces glutamine 459 with a stop codon.
Molecular consequence: nonsense.
Genome position (GRCh38, 1-based): chr1:154,990,349, C>T. VCF-style: chr1-154990349-C-T. GRCh37 (hg19) VCF-style: chr1-154962825-C-T.
Other names: c.1084C>T, p.Gln362Ter (NM_001184891.2, NM_201398.3); short protein forms Q459*, Q362*.
Identifiers: ClinVar variation 3727762 (VCV003727762.2).